The following is an entry in ClinVar:

NM_018451.5(CPAP):c.3216+1279G>C

Gene: CPAP (centrosome assembly and centriole elongation protein; minus strand). Cytogenetic location: 13q12.12.
Variant type: single nucleotide variant.
Coding change: c.3216+1279G>C on transcript NM_018451.5 (MANE Select); 1279 bases into the intron after coding-DNA position 3216, G replaced by C.
Molecular consequence: intron variant.
Genome position (GRCh38, 1-based): chr13:24,891,364, C>G on the plus strand (G>C on the coding strand, the complement: CPAP is on the minus strand). VCF-style: chr13-24891364-C-G. GRCh37 (hg19) VCF-style: chr13-25465502-C-G.
Identifiers: ClinVar variation 2643699 (VCV002643699.24), dbSNP rs140626662, ClinGen allele CA247067404.

ClinVar aggregate classification (germline): Benign (1 of 4 stars; one submission).

Allele frequency attached by ClinVar (database versions not stated): 1000 Genomes Project 0.00220; 1000 Genomes Project 30x 0.00234; gnomAD 0.00617; TOPMed 0.00640.
gnomAD v4.1: 953 of 152,200 alleles (0.63%); highest among the groups gnomAD compares: Non-Finnish European, 1%; 4 homozygotes.

Submission:

CeGaT Center for Human Genetics Tuebingen
Classification: Benign. Last evaluated: 2023-07-01. Review status: criteria provided, single submitter. Criteria: CeGaT Center For Human Genetics Tuebingen Variant Classification Criteria Version 2. Collection method: clinical testing. Allele origin: germline. Affected: yes. Observed: 6 variant alleles.
Comment: CPAP: BS1, BS2